The following is an entry in ClinVar:

NM_006885.4(ZFHX3):c.4671G>T (p.Lys1557Asn)

Genes: ZFHX3 (zinc finger homeobox 3; minus strand), ZFHX3-AS1 (ZFHX3 antisense RNA 1; plus strand). Cytogenetic location: 16q22.2.
Variant type: single nucleotide variant.
Coding change: c.4671G>T on transcript NM_006885.4 (MANE Select); coding-DNA position 4671, G replaced by T.
Protein change: p.Lys1557Asn; replaces lysine 1557 with asparagine.
Molecular consequence: missense variant.
Genome position (GRCh38, 1-based): chr16:72,798,011, C>A on the plus strand (G>T on the coding strand, the complement: ZFHX3 is on the minus strand). VCF-style: chr16-72798011-C-A. GRCh37 (hg19) VCF-style: chr16-72831910-C-A.
Other names: c.1929G>T, p.Lys643Asn (NM_001164766.2); c.4671G>T, p.Lys1557Asn (NM_001386735.1); short protein forms K1557N, K643N.
Identifiers: ClinVar variation 4975251 (VCV004975251.1).

ClinVar aggregate classification (germline): Uncertain significance (1 of 4 stars; one submission).

Submission:

GeneDx
Classification: Uncertain significance. Last evaluated: 2026-01-26. Review status: criteria provided, single submitter. Criteria: GeneDx Variant Classification Process June 2021. Collection method: clinical testing. Allele origin: germline.
Comment: Not observed at significant frequency in large population cohorts (gnomAD); In silico analysis supports that this missense variant has a deleterious effect on protein structure/function; Has not been previously published as pathogenic or benign to our knowledge